The following is an entry in ClinVar:

ClinVar aggregate classification (germline): Pathogenic (1 of 4 stars; one submission).

Conditions:
Intellectual disability. Also called: Intellectual functioning disability; intellectual disabilities; Intellectual developmental disorder. Identifiers: MedGen C3714756, MeSH D008607, MONDO:0001071, HP:0001249.
Craniosynostosis syndrome. Also called: Craniosynostosis. Identifiers: Orphanet 1531, MedGen C0010278, MeSH D003398, MONDO:0015469, HP:0001363.

Allele frequency attached by ClinVar (database versions not stated): gnomAD exomes below 0.00001.

Submission:

Cytogénomique, Hospices Civils de Lyon
Classification: Pathogenic for Intellectual disability; Craniosynostosis syndrome. Last evaluated: 2021-04-19. Review status: criteria provided, single submitter. Criteria: ACMG Guidelines, 2015. Collection method: clinical testing. Allele origin: inherited. Inheritance: Autosomal recessive inheritance. Affected: yes. Observed: 1 variant allele, 1 compound heterozygote.
Comment: truncating variant absent from gnomad. In trans with another pathogenic variant

NM_000528.4(MAN2B1):c.215_216del (p.His72fs)

Gene: MAN2B1 (mannosidase alpha class 2B member 1; minus strand). Cytogenetic location: 19p13.13.
Variant type: Deletion.
Coding change: c.215_216del on transcript NM_000528.4 (MANE Select); coding-DNA positions 215 to 216, 2 bases deleted (AT; older notation c.215_216delAT).
Protein change: p.His72fs; shifts the reading frame from histidine 72.
Molecular consequence: frameshift variant.
Genome position (GRCh38, 1-based): chr19:12,665,749-12,665,750, AT deleted on the plus strand (AT on the coding strand, the reverse complement: MAN2B1 is on the minus strand). VCF-style (leftmost placement, unchanged base first): chr19-12665748-CAT-C. GRCh37 (hg19) VCF-style: chr19-12776562-CAT-C.
Other names: c.215_216del, p.His72fs (NM_001173498.2); short protein forms H72fs.
Identifiers: ClinVar variation 1065630 (VCV001065630.1), dbSNP rs2145290706, ClinGen allele CA2499225368.